The following is an entry in ClinVar:

ClinVar aggregate classification (germline): Uncertain significance. Review status: criteria provided, multiple submitters, no conflicts (2 of 4 stars). 2 submissions from 2 submitters: Uncertain significance (2). Last evaluated 2026-07-02.

Conditions:
Hereditary cancer-predisposing syndrome. Also called: Hereditary Cancer Syndrome; Tumor predisposition; Neoplastic Syndromes, Hereditary; Hereditary neoplastic syndrome. Identifiers: Orphanet 140162, MedGen C0027672, MeSH D009386, MONDO:0015356.
Oligodontia-cancer predisposition syndrome. Also called: TOOTH AGENESIS-COLORECTAL CANCER SYNDROME. Identifiers: Orphanet 300576, MedGen C1837750, MONDO:0012075, OMIM 608615. Disease mechanism: loss of function.

Submissions (2):

Ambry Genetics
Classification: Uncertain significance for Hereditary cancer-predisposing syndrome. Last evaluated: 2026-07-02. Review status: criteria provided, single submitter. Criteria: Ambry Variant Classification Scheme 2023. Collection method: clinical testing. Allele origin: germline.
Comment: The p.Q173L variant (also known as c.518A>T), located in coding exon 1 of the AXIN2 gene, results from an A to T substitution at nucleotide position 518. The glutamine at codon 173 is replaced by leucine, an amino acid with dissimilar properties. This amino acid position is conserved. In addition, the in silico prediction for this alteration is inconclusive. Based on the available evidence, the clinical significance of this variant remains unclear.

Labcorp Genetics (formerly Invitae), Labcorp
Classification: Uncertain significance for Oligodontia-cancer predisposition syndrome. Last evaluated: 2020-10-19. Review status: criteria provided, single submitter. Criteria: Invitae Variant Classification Sherloc (09022015). Collection method: clinical testing. Allele origin: germline.
Comment: In summary, the available evidence is currently insufficient to determine the role of this variant in disease. Therefore, it has been classified as a Variant of Uncertain Significance. Algorithms developed to predict the effect of missense changes on protein structure and function are either unavailable or do not agree on the potential impact of this missense change (SIFT: "Tolerated"; PolyPhen-2: "Probably Damaging"; Align-GVGD: "Class C0"). This variant has not been reported in the literature in individuals with AXIN2-related conditions. This variant is not present in population databases (ExAC no frequency). This sequence change replaces glutamine with leucine at codon 173 of the AXIN2 protein (p.Gln173Leu). The glutamine residue is highly conserved and there is a moderate physicochemical difference between glutamine and leucine.

NM_004655.4(AXIN2):c.518A>T (p.Gln173Leu)

Gene: AXIN2 (axin 2; minus strand). Cytogenetic location: 17q24.1.
Variant type: single nucleotide variant.
Coding change: c.518A>T on transcript NM_004655.4 (MANE Select); coding-DNA position 518, A replaced by T.
Protein change: p.Gln173Leu; replaces glutamine 173 with leucine.
Molecular consequence: missense variant.
Genome position (GRCh38, 1-based): chr17:65,558,103, T>A on the plus strand (A>T on the coding strand, the complement: AXIN2 is on the minus strand). VCF-style: chr17-65558103-T-A. GRCh37 (hg19) VCF-style: chr17-63554221-T-A.
Other names: c.518A>T, p.Gln173Leu (NM_001363813.1); c.518A>T (NM_004655.3); short protein forms Q173L.
Identifiers: ClinVar variation 1491060 (VCV001491060.9), dbSNP rs2144585069, ClinGen allele CA400681065.
Genomic context (GRCh38, chr17:65,558,103, plus strand): 5'-GAAGTCAAAAACATCTGGTAGGCATTTTCCTCCATCACCGACTGGATCTCGGTCTGCGCC[T>A]GGTCAAACATGATGGAATCAATCTGCTGCTTCTTGATGCCATCTCTTATGTAGGTCTTGG-3'
Protein context (NP_004646.3, residues 163-183): KQQIDSIMFD[Gln173Leu]AQTEIQSVME